The following is an entry in ClinVar:

NM_004364.5(CEBPA):c.211G>A (p.Ala71Thr)

Gene: CEBPA (CCAAT enhancer binding protein alpha; minus strand). Cytogenetic location: 19q13.11.
Variant type: single nucleotide variant.
Coding change: c.211G>A on transcript NM_004364.5 (MANE Select); coding-DNA position 211, G replaced by A.
Protein change: p.Ala71Thr; replaces alanine 71 with threonine.
Molecular consequence: missense variant. On other transcripts: 5 prime UTR variant (1).
Genome position (GRCh38, 1-based): chr19:33,302,204, C>T on the plus strand (G>A on the coding strand, the complement: CEBPA is on the minus strand). VCF-style: chr19-33302204-C-T. GRCh37 (hg19) VCF-style: chr19-33793110-C-T.
Other names: c.-147G>A (NM_001285829.2); c.316G>A, p.Ala106Thr (NM_001287424.2); c.169G>A, p.Ala57Thr (NM_001287435.2); short protein forms A71T, A106T, A57T.
Identifiers: ClinVar variation 456674 (VCV000456674.9), dbSNP rs1555742260, ClinGen allele CA405275439.
Genomic context (GRCh38, chr19:33,302,204, plus strand): 5'-CCTTCTCCTGCTGCCGGCTGTGCTGGAACAGGTCGGCCAGGAACTCGTCGTTGAAGGCGG[C>T]CGGGTCGATGTAGGCGCTGATGTCGATGGACGTCTCGTGCTCGCAGATGCCGCCCAGCGG-3'
Protein context (NP_004355.2, residues 61-81): SIDISAYIDP[Ala71Thr]AFNDEFLADL

ClinVar aggregate classification (germline): Uncertain significance (1 of 4 stars; one submission).

Conditions:
Acute myeloid leukemia (AML). Also called: Leukemia, acute myeloid, somatic; Leukemia, acute myelogenous, somatic; Acute myeloid leukemia, adult; AML adult; Acute non-lymphocytic leukemia; Acute granulocytic leukemia. Identifiers: Orphanet 519, MedGen C0023467, MeSH D015470, MONDO:0018874, OMIM 601626, HP:0004808. Disease mechanism: Constitutively activated FLT3.

Allele frequency attached by ClinVar (database versions not stated): gnomAD exomes below 0.00001.

Submission:

Labcorp Genetics (formerly Invitae), Labcorp
Classification: Uncertain significance for Acute myeloid leukemia. Last evaluated: 2017-01-18. Review status: criteria provided, single submitter. Criteria: Invitae Variant Classification Sherloc (09022015). Collection method: clinical testing. Allele origin: germline.
Comment: Algorithms developed to predict the effect of missense changes on protein structure and function do not agree on the potential impact of this missense change (SIFT: "Tolerated"; PolyPhen-2: "Possibly Damaging"; Align-GVGD: "Class C0"). In summary, this variant is a novel missense change with uncertain impact on protein function. It has been classified as a Variant of Uncertain Significance. While this variant is not present in population databases, the frequency information is unreliable, as metrics indicate poor data quality at this position in the ExAC database. This variant has not been reported in the literature in individuals with a CEBPA-related disease. This sequence change replaces alanine with threonine at codon 71 of the CEBPA protein (p.Ala71Thr). The alanine residue is moderately conserved and there is a small physicochemical difference between alanine and threonine.